The following is an entry in ClinVar:

ClinVar aggregate classification (germline): Uncertain significance. Review status: criteria provided, multiple submitters, no conflicts (2 of 4 stars). 3 submissions from 3 submitters: Uncertain significance (3). Last evaluated 2024-07-29.

Conditions:
Naxos disease (NXD). Also called: KERATOSIS PALMOPLANTARIS WITH ARRHYTHMOGENIC CARDIOMYOPATHY; MAL DE NAXOS; PALMOPLANTAR KERATODERMA WITH ARRHYTHMOGENIC RIGHT VENTRICULAR CARDIOMYOPATHY AND WOOLLY HAIR; WOOLLY HAIR, PALMOPLANTAR KERATODERMA, AND CARDIAC ABNORMALITIES; CARDIOMYOPATHY, ARRHYTHMOGENIC RIGHT VENTRICULAR, WITH SKIN, HAIR, AND NAIL ABNORMALITIES. Identifiers: Orphanet 34217, MedGen C1832600, MONDO:0011017, OMIM 601214.
Arrhythmogenic right ventricular dysplasia 12. Also called: ARRHYTHMOGENIC RIGHT VENTRICULAR DYSPLASIA, FAMILIAL, 12. Identifiers: MedGen C1969081, MONDO:0012684, OMIM 611528.
Cardiovascular phenotype. Identifiers: MedGen CN230736.

Allele frequency attached by ClinVar (database versions not stated): TOPMed below 0.00001; gnomAD 0.00001; gnomAD exomes 0.00001; ExAC 0.00002.
gnomAD v4.1: 21 of 1,614,058 alleles (0.0013%); highest among the groups gnomAD compares: East Asian, 0.0067%; no homozygotes.

Submissions (3):

Labcorp Genetics (formerly Invitae), Labcorp
Classification: Uncertain significance for Arrhythmogenic right ventricular dysplasia 12; Naxos disease. Last evaluated: 2024-07-29. Review status: criteria provided, single submitter. Criteria: Invitae Variant Classification Sherloc (09022015). Collection method: clinical testing. Allele origin: germline.
Comment: This sequence change replaces arginine, which is basic and polar, with cysteine, which is neutral and slightly polar, at codon 460 of the JUP protein (p.Arg460Cys). This variant is present in population databases (rs782575391, gnomAD 0.006%). This variant has not been reported in the literature in individuals affected with JUP-related conditions. ClinVar contains an entry for this variant (Variation ID: 845130). An algorithm developed to predict the effect of missense changes on protein structure and function (PolyPhen-2) suggests that this variant is likely to be disruptive. In summary, the available evidence is currently insufficient to determine the role of this variant in disease. Therefore, it has been classified as a Variant of Uncertain Significance.

Blueprint Genetics
Classification: Uncertain significance. Last evaluated: 2023-11-24. Review status: criteria provided, single submitter. Criteria: ACMG Guidelines, 2015. Collection method: clinical testing. Allele origin: germline.

Ambry Genetics
Classification: Uncertain significance for Cardiovascular phenotype. Last evaluated: 2019-06-18. Review status: criteria provided, single submitter. Criteria: Ambry Variant Classification Scheme 2023. Collection method: clinical testing. Allele origin: germline.
Comment: The p.R460C variant (also known as c.1378C>T), located in coding exon 7 of the JUP gene, results from a C to T substitution at nucleotide position 1378. The arginine at codon 460 is replaced by cysteine, an amino acid with highly dissimilar properties. This amino acid position is highly conserved in available vertebrate species. In addition, the in silico prediction for this alteration is inconclusive. Since supporting evidence is limited at this time, the clinical significance of this alteration remains unclear.

NM_002230.4(JUP):c.1378C>T (p.Arg460Cys)

Gene: JUP (junction plakoglobin; minus strand). Cytogenetic location: 17q21.2.
Variant type: single nucleotide variant.
Coding change: c.1378C>T on transcript NM_002230.4 (MANE Select); coding-DNA position 1378, C replaced by T.
Protein change: p.Arg460Cys; replaces arginine 460 with cysteine.
Molecular consequence: missense variant.
Genome position (GRCh38, 1-based): chr17:41,763,102, G>A on the plus strand (C>T on the coding strand, the complement: JUP is on the minus strand). VCF-style: chr17-41763102-G-A. GRCh37 (hg19) VCF-style: chr17-39919354-G-A.
Other names: c.1378C>T, p.Arg460Cys (NM_001352773.2, NM_001352774.2, NM_001352775.2 and 3 more transcripts); short protein forms R460C.
Identifiers: ClinVar variation 845130 (VCV000845130.10), dbSNP rs782575391, ClinGen allele CA8565222.